The following is an entry in ClinVar:

NM_003280.3(TNNC1):c.386C>G (p.Thr129Arg)

Gene: TNNC1 (troponin C1, slow skeletal and cardiac type; minus strand). Cytogenetic location: 3p21.1.
Variant type: single nucleotide variant.
Coding change: c.386C>G on transcript NM_003280.3 (MANE Select); coding-DNA position 386, C replaced by G.
Protein change: p.Thr129Arg; replaces threonine 129 with arginine.
Molecular consequence: missense variant.
Genome position (GRCh38, 1-based): chr3:52,451,459, G>C on the plus strand (C>G on the coding strand, the complement: TNNC1 is on the minus strand). VCF-style: chr3-52451459-G-C. GRCh37 (hg19) VCF-style: chr3-52485475-G-C.
Other names: short protein forms T129R.
Identifiers: ClinVar variation 2932114 (VCV002932114.4), dbSNP rs749367654, ClinGen allele CA353165586.

ClinVar aggregate classification (germline): Uncertain significance. Review status: criteria provided, multiple submitters, no conflicts (2 of 4 stars). 2 submissions from 2 submitters: Uncertain significance (2). Last evaluated 2025-12-16.

Conditions:
Cardiovascular phenotype. Identifiers: MedGen CN230736.
Dilated cardiomyopathy 1Z (CMD1Z). Identifiers: Orphanet 154, MedGen C2678475, MONDO:0012745, OMIM 611879.
Hypertrophic cardiomyopathy 13. Also called: TNNC1-Related Familial Hypertrophic Cardiomyopathy. Identifiers: MedGen C2750472, MONDO:0013195, OMIM 613243.

Submissions (2):

Ambry Genetics
Classification: Uncertain significance for Cardiovascular phenotype. Last evaluated: 2025-12-16. Review status: criteria provided, single submitter. Criteria: Ambry Variant Classification Scheme 2023. Collection method: clinical testing. Allele origin: germline.
Comment: The p.T129R variant (also known as c.386C>G), located in coding exon 5 of the TNNC1 gene, results from a C to G substitution at nucleotide position 386. The threonine at codon 129 is replaced by arginine, an amino acid with similar properties. This amino acid position is conserved. In addition, this alteration is predicted to be deleterious by in silico analysis. Based on the available evidence, the clinical significance of this variant remains unclear.

Labcorp Genetics (formerly Invitae), Labcorp
Classification: Uncertain significance for Hypertrophic cardiomyopathy 13; Dilated cardiomyopathy 1Z. Last evaluated: 2023-12-09. Review status: criteria provided, single submitter. Criteria: Invitae Variant Classification Sherloc (09022015). Collection method: clinical testing. Allele origin: germline.
Comment: This sequence change replaces threonine, which is neutral and polar, with arginine, which is basic and polar, at codon 129 of the TNNC1 protein (p.Thr129Arg). This variant is not present in population databases (gnomAD no frequency). This variant has not been reported in the literature in individuals affected with TNNC1-related conditions. An algorithm developed to predict the effect of missense changes on protein structure and function (PolyPhen-2) suggests that this variant is likely to be disruptive. In summary, the available evidence is currently insufficient to determine the role of this variant in disease. Therefore, it has been classified as a Variant of Uncertain Significance.